The following is an entry in ClinVar:

ClinVar aggregate classification (germline): Pathogenic/Likely pathogenic. Review status: criteria provided, multiple submitters, no conflicts (2 of 4 stars). 2 submissions from 2 submitters: Pathogenic (1); Likely pathogenic (1). Last evaluated 2024-03-20.

Conditions:
Multiple sulfatase deficiency (MSD). Also called: Mucosulfatidosis; Multiple Sulfatase Deficiency Disease; Sulfatidosis, Juvenile, Austin Type. Identifiers: Orphanet 585, MedGen C0268263, MONDO:0010088, OMIM 272200.

Submissions (2):

Fulgent Genetics
Classification: Likely pathogenic for Multiple sulfatase deficiency. Last evaluated: 2024-03-20. Review status: criteria provided, single submitter. Criteria: ACMG Guidelines, 2015. Collection method: clinical testing. Allele origin: germline.

Labcorp Genetics (formerly Invitae), Labcorp
Classification: Pathogenic for Multiple sulfatase deficiency. Last evaluated: 2023-07-19. Review status: criteria provided, single submitter. Criteria: Invitae Variant Classification Sherloc (09022015). Collection method: clinical testing. Allele origin: germline.
Comment: This sequence change creates a premature translational stop signal (p.Thr278Leufs*17) in the SUMF1 gene. It is expected to result in an absent or disrupted protein product. Loss-of-function variants in SUMF1 are known to be pathogenic (PMID: 12757705, 12757706, 25885655). This variant is not present in population databases (gnomAD no frequency). This variant has not been reported in the literature in individuals affected with SUMF1-related conditions. For these reasons, this variant has been classified as Pathogenic.

Literature cited by the submitters: PubMed 12757705 (cited by Labcorp Genetics (formerly Invitae), Labcorp); PubMed 12757706 (cited by Labcorp Genetics (formerly Invitae), Labcorp); PubMed 25885655 (cited by Labcorp Genetics (formerly Invitae), Labcorp).

NM_182760.4(SUMF1):c.832del (p.Thr278fs)

Gene: SUMF1 (sulfatase modifying factor 1; minus strand). Cytogenetic location: 3p26.1.
Variant type: Deletion.
Coding change: c.832del on transcript NM_182760.4 (MANE Select); coding-DNA position 832, one base deleted (A; older notation c.832delA).
Protein change: p.Thr278fs; shifts the reading frame from threonine 278.
Molecular consequence: frameshift variant.
Genome position (GRCh38, 1-based): chr3:4,417,136, T deleted on the plus strand (A on the coding strand, the reverse complement: SUMF1 is on the minus strand); the first of 2 consecutive T bases (chr3:4,417,136-4,417,137); deleting either gives the same sequence. VCF-style (leftmost placement, unchanged base first): chr3-4417135-GT-G. GRCh37 (hg19) VCF-style: chr3-4458819-GT-G.
Other names: c.757del, p.Thr253fs (NM_001164674.2); c.832del, p.Thr278fs (NM_001164675.2); short protein forms T253fs, T278fs.
Identifiers: ClinVar variation 2745270 (VCV002745270.4), dbSNP rs2469852998, ClinGen allele CA2697550629.